The following is an entry in ClinVar:

NM_001384474.1(LOXHD1):c.1053G>A (p.Leu351=)

Gene: LOXHD1 (lipoxygenase homology PLAT domains 1; minus strand). Cytogenetic location: 18q21.1.
Variant type: single nucleotide variant.
Coding change: c.1053G>A on transcript NM_001384474.1 (MANE Select); coding-DNA position 1053, G replaced by A.
Protein change: p.Leu351=; no amino-acid change (leucine 351 retained).
Molecular consequence: synonymous variant.
Genome position (GRCh38, 1-based): chr18:46,601,298, C>T on the plus strand (G>A on the coding strand, the complement: LOXHD1 is on the minus strand). VCF-style: chr18-46601298-C-T. GRCh37 (hg19) VCF-style: chr18-44181261-C-T.
Other names: c.1053G>A, p.Leu351= (NM_144612.7).
Identifiers: ClinVar variation 226711 (VCV000226711.18), dbSNP rs140842472, ClinGen allele CA8952852.

ClinVar aggregate classification (germline): Benign/Likely benign. Review status: criteria provided, multiple submitters, no conflicts (2 of 4 stars). 4 submissions from 4 submitters: Benign (2); Likely benign (2). Last evaluated 2026-01-31.

Allele frequency attached by ClinVar (database versions not stated): gnomAD exomes 0.00031 and 0.00064; ExAC 0.00170; gnomAD 0.00376 and 0.00409; TOPMed 0.00391; ESP Exome Variant Server 0.00460; 1000 Genomes Project 0.00519; 1000 Genomes Project 30x 0.00609.
gnomAD v4.1: 1,021 of 1,551,716 alleles (0.066%); highest among the groups gnomAD compares: African/African-American, 1.3%; 7 homozygotes.

Submissions (4):

Labcorp Genetics (formerly Invitae), Labcorp
Classification: Benign. Last evaluated: 2026-01-31. Review status: criteria provided, single submitter. Criteria: Invitae Variant Classification Sherloc (09022015). Collection method: clinical testing. Allele origin: germline.

Blueprint Genetics
Classification: Likely benign. Last evaluated: 2024-09-23. Review status: criteria provided, single submitter. Criteria: ACMG Guidelines, 2015. Collection method: clinical testing. Allele origin: germline.

GeneDx
Classification: Likely benign. Last evaluated: 2018-06-21. Review status: criteria provided, single submitter. Criteria: GeneDx Variant Classification Process June 2021. Collection method: clinical testing. Allele origin: germline. Affected: yes.

Laboratory for Molecular Medicine, Mass General Brigham Personalized Medicine
Classification: Benign. Last evaluated: 2015-05-28. Review status: criteria provided, single submitter. Criteria: LMM Criteria. Collection method: clinical testing. Allele origin: germline. Observed: 4 variant alleles.
Comment: p.Leu351Leu in exon 8 of LOXHD1: This variant is not expected to have clinical s ignificance because it does not alter an amino acid residue, is not located with in the splice consensus sequence, and has been identified in 1.4% (38/2750) of A frican chromosomes by the Exome Aggregation Consortium (ExAC; dbSNP rs140842472).